The following is an entry in ClinVar:

ClinVar aggregate classification (germline): Likely pathogenic (1 of 4 stars; one submission).

Conditions:
Wolfram syndrome 1 (WFS1). Identifiers: Orphanet 3463, MedGen C4551693, MONDO:0009101, OMIM 222300.

Submission:

Laboratory of Prof. Karen Avraham, Tel Aviv University
Classification: Likely pathogenic for Wolfram syndrome 1. Last evaluated: 2024-08-20. Review status: criteria provided, single submitter. Criteria: ACMG Guidelines, 2015. Collection method: research. Allele origin: germline. Affected: yes.
Comment: The p.(Lys862Asn) variant is very rare and predicted deleterious by most prediction programs.

NM_006005.3(WFS1):c.2586G>C (p.Lys862Asn)

Gene: WFS1 (wolframin ER transmembrane glycoprotein; plus strand). Cytogenetic location: 4p16.1.
Variant type: single nucleotide variant.
Coding change: c.2586G>C on transcript NM_006005.3 (MANE Select); coding-DNA position 2586, G replaced by C.
Protein change: p.Lys862Asn; replaces lysine 862 with asparagine.
Molecular consequence: missense variant.
Genome position (GRCh38, 1-based): chr4:6,302,381, G>C. VCF-style: chr4-6302381-G-C. GRCh37 (hg19) VCF-style: chr4-6304108-G-C.
Other names: c.2586G>C, p.Lys862Asn (NM_001145853.1); short protein forms K862N.
Identifiers: ClinVar variation 3338038 (VCV003338038.1).